The following is an entry in ClinVar:

NM_005561.4(LAMP1):c.1233C>T (p.His411=)

Gene: LAMP1 (lysosome associated membrane protein 1; plus strand). Cytogenetic location: 13q34.
Variant type: single nucleotide variant.
Coding change: c.1233C>T on transcript NM_005561.4 (MANE Select); coding-DNA position 1233, C replaced by T.
Protein change: p.His411=; no amino-acid change (histidine 411 retained).
Molecular consequence: synonymous variant.
Genome position (GRCh38, 1-based): chr13:113,322,400, C>T. VCF-style: chr13-113322400-C-T. GRCh37 (hg19) VCF-style: chr13-113976715-C-T.
Identifiers: ClinVar variation 2643983 (VCV002643983.24), dbSNP rs367740277, ClinGen allele CA7062905.
Genomic context (GRCh38, chr13:113,322,400, plus strand): 5'-CCTGGCGGGGCTGGTCCTCATCGTCCTCATCGCCTACCTCGTCGGCAGGAAGAGGAGTCA[C>T]GCAGGCTACCAGACTATCTAGCCTGGTGCACGCAGGCACAGCAGCTGCAGGGGCCTCTGT-3'
Protein context (NP_005552.3, residues 401-417): IAYLVGRKRS[His411=]AGYQTI

ClinVar aggregate classification (germline): Likely benign (1 of 4 stars; one submission).

Allele frequency attached by ClinVar (database versions not stated): ExAC 0.00003; TOPMed 0.00005; gnomAD exomes 0.00007; ESP Exome Variant Server 0.00008; gnomAD 0.00008.
gnomAD v4.1: 119 of 1,613,340 alleles (0.0074%); highest among the groups gnomAD compares: Non-Finnish European, 0.0089%; no homozygotes.

Submission:

CeGaT Center for Human Genetics Tuebingen
Classification: Likely benign. Last evaluated: 2022-03-01. Review status: criteria provided, single submitter. Criteria: CeGaT Center For Human Genetics Tuebingen Variant Classification Criteria Version 2. Collection method: clinical testing. Allele origin: germline. Affected: yes. Observed: 1 variant allele.
Comment: LAMP1: BP4, BP7